The following is an entry in ClinVar:

ClinVar aggregate classification (germline): Benign/Likely benign. Review status: criteria provided, multiple submitters, no conflicts (2 of 4 stars). 6 submissions from 6 submitters: Benign (2); Likely benign (3). 1 of the submissions does not count toward it. Last evaluated 2025-12-23.

Conditions:
TRAP1-related disorder. Also called: TRAP1-related condition.

Allele frequency attached by ClinVar (database versions not stated): 1000 Genomes Project 30x 0.00187; 1000 Genomes Project 0.00200; TOPMed 0.00208; ESP Exome Variant Server 0.00246; gnomAD 0.00172.
gnomAD v4.1: 828 of 1,614,004 alleles (0.051%); highest among the groups gnomAD compares: African/African-American, 0.69%; 6 homozygotes.

Submissions (6):

Labcorp Genetics (formerly Invitae), Labcorp
Classification: Benign. Last evaluated: 2025-12-23. Review status: criteria provided, single submitter. Criteria: Invitae Variant Classification Sherloc (09022015). Collection method: clinical testing. Allele origin: germline.

PreventionGenetics, part of Exact Sciences
Classification: Likely benign for TRAP1-related condition. Last evaluated: 2025-01-21. Review status: criteria provided, single submitter. Criteria: ACMG Guidelines, 2015. Collection method: clinical testing. Allele origin: germline.
Comment: This variant is classified as likely benign based on ACMG/AMP sequence variant interpretation guidelines (Richards et al. 2015 PMID: 25741868, with internal and published modifications).

Blueprint Genetics
Classification: Likely benign. Last evaluated: 2024-11-21. Review status: criteria provided, single submitter. Criteria: ACMG Guidelines, 2015. Collection method: clinical testing. Allele origin: germline.

CeGaT Center for Human Genetics Tuebingen
Classification: Likely benign. Last evaluated: 2024-08-01. Review status: criteria provided, single submitter. Criteria: CeGaT Center For Human Genetics Tuebingen Variant Classification Criteria Version 2. Collection method: clinical testing. Allele origin: germline. Affected: yes. Observed: 2 variant alleles.
Comment: TRAP1: BP4, BP7

Breakthrough Genomics
Classification: Benign. Review status: criteria provided, single submitter. Criteria: ACMG Guidelines, 2015. Collection method: not provided. Allele origin: germline. Inheritance: Unknown mechanism. Affected: yes.

Mayo Clinic Laboratories, Mayo Clinic
Classification: Likely benign. Last evaluated: 2018-03-19. Review status: no assertion criteria provided. Collection method: clinical testing. Allele origin: unknown. Not counted in ClinVar's aggregate classification.

NM_016292.3(TRAP1):c.933T>C (p.His311=)

Gene: TRAP1 (TNF receptor associated protein 1; minus strand). Cytogenetic location: 16p13.3.
Variant type: single nucleotide variant.
Coding change: c.933T>C on transcript NM_016292.3 (MANE Select); coding-DNA position 933, T replaced by C.
Protein change: p.His311=; no amino-acid change (histidine 311 retained).
Molecular consequence: synonymous variant.
Genome position (GRCh38, 1-based): chr16:3,674,450, A>G on the plus strand (T>C on the coding strand, the complement: TRAP1 is on the minus strand). VCF-style: chr16-3674450-A-G. GRCh37 (hg19) VCF-style: chr16-3724451-A-G.
Other names: c.774T>C, p.His258= (NM_001272049.2).
Identifiers: ClinVar variation 559153 (VCV000559153.38), dbSNP rs142413437, ClinGen allele CA7868378.